The following is an entry in ClinVar:

NM_001042492.3(NF1):c.358T>C (p.Phe120Leu)

Gene: NF1 (neurofibromin 1; plus strand). Cytogenetic location: 17q11.2.
Variant type: single nucleotide variant.
Coding change: c.358T>C on transcript NM_001042492.3 (MANE Select); coding-DNA position 358, T replaced by C.
Protein change: p.Phe120Leu; replaces phenylalanine 120 with leucine.
Molecular consequence: missense variant.
Genome position (GRCh38, 1-based): chr17:31,163,255, T>C. VCF-style: chr17-31163255-T-C. GRCh37 (hg19) VCF-style: chr17-29490273-T-C.
Other names: c.358T>C, p.Phe120Leu (NM_000267.4, NM_001128147.3); short protein forms F120L.
Identifiers: ClinVar variation 3237740 (VCV003237740.1), dbSNP rs2544700669.
Genomic context (GRCh38, chr17:31,163,255, plus strand): 5'-GACACAATGAGATTAGATGAAACGATGCTGGTCAAACAGTTGCTGCCAGAAATCTGCCAT[T>C]TTCTTCACACCTGTCGTGAAGGAAACCAGCATGCAGCTGAACTTCGGAATTCTGCCTCTG-3'
Protein context (NP_001035957.1, residues 110-130): VKQLLPEICH[Phe120Leu]LHTCREGNQH

ClinVar aggregate classification (germline): Uncertain significance (1 of 4 stars; one submission).

Conditions:
Hereditary cancer-predisposing syndrome. Also called: Neoplastic Syndromes, Hereditary; Tumor predisposition; Hereditary neoplastic syndrome; Hereditary Cancer Syndrome. Identifiers: Orphanet 140162, MedGen C0027672, MeSH D009386, MONDO:0015356.
Cardiovascular phenotype. Identifiers: MedGen CN230736.

Submission:

Ambry Genetics
Classification: Uncertain significance for Cardiovascular phenotype; Hereditary cancer-predisposing syndrome. Last evaluated: 2023-12-23. Review status: criteria provided, single submitter. Criteria: Ambry Variant Classification Scheme 2023. Collection method: clinical testing. Allele origin: germline.
Comment: The p.F120L variant (also known as c.358T>C), located in coding exon 4 of the NF1 gene, results from a T to C substitution at nucleotide position 358. The phenylalanine at codon 120 is replaced by leucine, an amino acid with highly similar properties. This amino acid position is conserved. In addition, this alteration is predicted to be deleterious by in silico analysis. Since supporting evidence is limited at this time, the clinical significance of this alteration remains unclear.